The following is an entry in ClinVar:

ClinVar aggregate classification (germline): Likely benign. Review status: criteria provided, multiple submitters, no conflicts (2 of 4 stars). 2 submissions from 2 submitters: Likely benign (2). Last evaluated 2026-02-06.

Conditions:
Nephronophthisis. Also called: Juvenile Nephronophthisis. Identifiers: Orphanet 655, MedGen C0687120, MONDO:0019005, HP:0000090.
NPHP4-related disorder. Also called: NPHP4-related condition; NPHP4-related disorders. Identifiers: MedGen CN239384.

Submissions (2):

PreventionGenetics, part of Exact Sciences
Classification: Likely benign for NPHP4-related condition. Last evaluated: 2026-02-06. Review status: criteria provided, single submitter. Criteria: ACMG Guidelines, 2015. Collection method: clinical testing. Allele origin: germline.
Comment: This variant is classified as likely benign based on ACMG/AMP sequence variant interpretation guidelines (Richards et al. 2015 PMID: 25741868, with internal and published modifications).

Labcorp Genetics (formerly Invitae), Labcorp
Classification: Likely benign for Nephronophthisis. Last evaluated: 2025-09-20. Review status: criteria provided, single submitter. Criteria: Invitae Variant Classification Sherloc (09022015). Collection method: clinical testing. Allele origin: germline.

NM_015102.5(NPHP4):c.900G>A (p.Arg300=)

Gene: NPHP4 (nephrocystin 4; minus strand). Cytogenetic location: 1p36.31.
Variant type: single nucleotide variant.
Coding change: c.900G>A on transcript NM_015102.5 (MANE Select); coding-DNA position 900, G replaced by A.
Protein change: p.Arg300=; no amino-acid change (arginine 300 retained).
Molecular consequence: synonymous variant. On other transcripts: 5 prime UTR variant (2), non-coding transcript variant (1).
Genome position (GRCh38, 1-based): chr1:5,948,162, C>T on the plus strand (G>A on the coding strand, the complement: NPHP4 is on the minus strand). VCF-style: chr1-5948162-C-T. GRCh37 (hg19) VCF-style: chr1-6008222-C-T.
Other names: c.-467G>A (NM_001291593.2, NM_001291594.2); c.900G>A (NM_015102.4).
Identifiers: ClinVar variation 4749521 (VCV004749521.2).